The following is an entry in ClinVar:

NM_016035.5(COQ4):c.142C>T (p.Gln48Ter)

Genes: COQ4 (coenzyme Q4; plus strand), LOC130002704 (ATAC-STARR-seq lymphoblastoid silent region 20335; plus strand). Cytogenetic location: 9q34.11.
Variant type: single nucleotide variant.
Coding change: c.142C>T on transcript NM_016035.5 (MANE Select); coding-DNA position 142, C replaced by T.
Protein change: p.Gln48Ter; replaces glutamine 48 with a stop codon.
Molecular consequence: nonsense.
Genome position (GRCh38, 1-based): chr9:128,323,087, C>T. VCF-style: chr9-128323087-C-T. GRCh37 (hg19) VCF-style: chr9-131085366-C-T.
Other names: c.142C>T, p.Gln48Ter (NM_001305942.2); short protein forms Q48*.
Identifiers: ClinVar variation 2894348 (VCV002894348.3), dbSNP rs1408133351, ClinGen allele CA375017426.
Genomic context (GRCh38, chr9:128,323,087, plus strand): 5'-CGGGCTAGGAGCGACGGCGCCGGCCCGCTATACTCGCACCACCTCCCCACCTCCCCGCTG[C>T]AGAAAGGGCTGTTGGCCGCCGGCTCCGCGGCGATGGCGCTCTATAACCCCTACCGCCACG-3'

ClinVar aggregate classification (germline): Pathogenic (1 of 4 stars; one submission).

Conditions:
Neonatal encephalomyopathy-cardiomyopathy-respiratory distress syndrome. Also called: Coenzyme Q10 deficiency, primary, 7. Identifiers: Orphanet 457185, MedGen C5568562, MONDO:0014562, OMIM 616276.

Allele frequency attached by ClinVar (database versions not stated): gnomAD exomes below 0.00001.
gnomAD v4.1: 2 of 1,612,102 alleles (0.00012%); highest among the groups gnomAD compares: East Asian, 0.0022%; no homozygotes.

Submission:

Labcorp Genetics (formerly Invitae), Labcorp
Classification: Pathogenic for Neonatal encephalomyopathy-cardiomyopathy-respiratory distress syndrome. Last evaluated: 2023-07-25. Review status: criteria provided, single submitter. Criteria: Invitae Variant Classification Sherloc (09022015). Collection method: clinical testing. Allele origin: germline.
Comment: This sequence change creates a premature translational stop signal (p.Gln48*) in the COQ4 gene. It is expected to result in an absent or disrupted protein product. Loss-of-function variants in COQ4 are known to be pathogenic (PMID: 25658047). For these reasons, this variant has been classified as Pathogenic. This variant has not been reported in the literature in individuals affected with COQ4-related conditions. The frequency data for this variant in the population databases is considered unreliable, as metrics indicate poor data quality at this position in the gnomAD database.

Literature cited by the submitters: PubMed 25658047.